The following is an entry in ClinVar:

NM_007327.4(GRIN1):c.652G>C (p.Val218Leu)

Gene: GRIN1 (glutamate ionotropic receptor NMDA type subunit 1; plus strand). Cytogenetic location: 9q34.3.
Variant type: single nucleotide variant.
Coding change: c.652G>C on transcript NM_007327.4 (MANE Select); coding-DNA position 652, G replaced by C.
Protein change: p.Val218Leu; replaces valine 218 with leucine.
Molecular consequence: missense variant.
Genome position (GRCh38, 1-based): chr9:137,149,090, G>C. VCF-style: chr9-137149090-G-C. GRCh37 (hg19) VCF-style: chr9-140043542-G-C.
Other names: c.652G>C, p.Val218Leu (NM_000832.7, NM_021569.4); c.715G>C, p.Val239Leu (NM_001185090.2, NM_001185091.2); short protein forms V239L, V218L.
Identifiers: ClinVar variation 2832138 (VCV002832138.3), dbSNP rs904816181, ClinGen allele CA201733700.
Genomic context (GRCh38, chr9:137,149,090, plus strand): 5'-GACCCAGGGACCAAGAACGTGACGGCCCTGCTGATGGAGGCGAAAGAGCTGGAGGCCCGG[G>C]TCATCATCCTTTCTGCCAGGTGAGGCTGGGCAGGGCCCTACACACTCCACACAGGATGGT-3'
Protein context (NP_015566.1, residues 208-228): LMEAKELEAR[Val218Leu]IILSASEDDA

ClinVar aggregate classification (germline): Uncertain significance (1 of 4 stars; one submission).

Conditions:
Neurodevelopmental disorder with or without hyperkinetic movements and seizures, autosomal dominant. Also called: Intellectual disability, autosomal dominant 8. Identifiers: MedGen C3280282, MONDO:0013655, OMIM 614254.

Allele frequency attached by ClinVar (database versions not stated): TOPMed below 0.00001.

Submission:

Labcorp Genetics (formerly Invitae), Labcorp
Classification: Uncertain significance for Neurodevelopmental disorder with or without hyperkinetic movements and seizures, autosomal dominant. Last evaluated: 2023-01-26. Review status: criteria provided, single submitter. Criteria: Invitae Variant Classification Sherloc (09022015). Collection method: clinical testing. Allele origin: germline.
Comment: In summary, the available evidence is currently insufficient to determine the role of this variant in disease. Therefore, it has been classified as a Variant of Uncertain Significance. Advanced modeling of protein sequence and biophysical properties (such as structural, functional, and spatial information, amino acid conservation, physicochemical variation, residue mobility, and thermodynamic stability) has been performed at Invitae for this missense variant, however the output from this modeling did not meet the statistical confidence thresholds required to predict the impact of this variant on GRIN1 protein function. This variant has not been reported in the literature in individuals affected with GRIN1-related conditions. This variant is not present in population databases (gnomAD no frequency). This sequence change replaces valine, which is neutral and non-polar, with leucine, which is neutral and non-polar, at codon 218 of the GRIN1 protein (p.Val218Leu).